The following is an entry in ClinVar:

ClinVar aggregate classification (germline): Uncertain significance (1 of 4 stars; one submission).

Submission:

Dasa
Classification: Uncertain significance. Last evaluated: 2026-06-05. Review status: criteria provided, single submitter. Criteria: DASA Assertion Criteria. Collection method: clinical testing. Allele origin: germline.
Comment: NM_032217.5(ANKRD17):c.1355T>C (p.Leu452Ser) is a missense variant that results in the substitution of leucine with serine. This variant is rare in population databases. Computational prediction algorithms are consistent with a deleterious effect. The currently available literature and clinical evidence are not sufficient to establish a definitive association between this variant and the reported condition. Therefore, this variant is classified as a variant of uncertain significance.

NM_032217.5(ANKRD17):c.1355T>C (p.Leu452Ser)

Gene: ANKRD17 (ankyrin repeat domain 17; minus strand). Cytogenetic location: 4q13.3.
Variant type: single nucleotide variant.
Coding change: c.1355T>C on transcript NM_032217.5 (MANE Select); coding-DNA position 1355, T replaced by C.
Protein change: p.Leu452Ser; replaces leucine 452 with serine.
Molecular consequence: missense variant.
Genome position (GRCh38, 1-based): chr4:73,149,025, A>G on the plus strand (T>C on the coding strand, the complement: ANKRD17 is on the minus strand). VCF-style: chr4-73149025-A-G. GRCh37 (hg19) VCF-style: chr4-74014742-A-G.
Other names: c.1016T>C, p.Leu339Ser (NM_001286771.3); c.1355T>C, p.Leu452Ser (NM_015574.2, NM_198889.3); short protein forms L339S, L452S.
Identifiers: ClinVar variation 5020421 (VCV005020421.1).
Genomic context (GRCh38, chr4:73,149,025, plus strand): 5'-GTTAATGGTGACTCAAATGAATCAGCAGGCATGTTCACTTGGGCACCGCTGTCAAGAAGT[A>G]ACCTAGCTACTTCAACATGGCCATCCTAATGATAATACAATTTAAAAAATTAAATCAGCA-3'
Protein context (NP_115593.3, residues 442-462): CMDGHVEVAR[Leu452Ser]LLDSGAQVNM